The following is an entry in ClinVar:

NM_001148.6(ANK2):c.307A>G (p.Ile103Val)

Gene: ANK2 (ankyrin 2; plus strand). Cytogenetic location: 4q25.
Variant type: single nucleotide variant.
Coding change: c.307A>G on transcript NM_001148.6 (MANE Select); coding-DNA position 307, A replaced by G.
Protein change: p.Ile103Val; replaces isoleucine 103 with valine.
Molecular consequence: missense variant.
Genome position (GRCh38, 1-based): chr4:113,199,032, A>G. VCF-style: chr4-113199032-A-G. GRCh37 (hg19) VCF-style: chr4-114120188-A-G.
Other names: c.244A>G, p.Ile82Val (NM_001127493.3, NM_001354243.2, NM_001354244.2 and 33 more transcripts); c.307A>G, p.Ile103Val (NM_001354225.2, NM_001354228.2, NM_001354232.2 and 9 more transcripts); c.352A>G, p.Ile118Val (NM_001354230.2, NM_001354231.2, NM_001354237.2 and 5 more transcripts); c.289A>G, p.Ile97Val (NM_001354261.2, NM_001386147.1, NM_001386160.1); c.295A>G, p.Ile99Val (NM_001354269.3, NM_001386186.2, NM_001386187.2 and 1 more transcripts); c.358A>G, p.Ile120Val (NM_001386174.1, NM_001386175.1); short protein forms I103V, I118V, I120V, I82V, I97V, I99V.
Identifiers: ClinVar variation 1214058 (VCV001214058.3), dbSNP rs1396062330, ClinGen allele CA357993640.

ClinVar aggregate classification (germline): Uncertain significance (1 of 4 stars; one submission).

Allele frequency attached by ClinVar (database versions not stated): gnomAD exomes below 0.00001; TOPMed below 0.00001.
gnomAD v4.1: 1 of 1,613,288 alleles (0.000062%); highest among the groups gnomAD compares: Non-Finnish European, 0.000085%; no homozygotes.

Submission:

GeneDx
Classification: Uncertain significance. Last evaluated: 2019-12-02. Review status: criteria provided, single submitter. Criteria: GeneDx Variant Classification Process June 2021. Collection method: clinical testing. Allele origin: germline. Affected: yes.
Comment: Not observed at a significant frequency in large population cohorts (Lek et al., 2016); In silico analysis, which includes protein predictors and evolutionary conservation, supports that this variant does not alter protein structure/function; Has not been previously published as pathogenic or benign to our knowledge